The following is an entry in ClinVar:

ClinVar aggregate classification (germline): Conflicting classifications of pathogenicity. Review status: criteria provided, conflicting classifications (1 of 4 stars). 2 submissions from 2 submitters: Uncertain significance (1); Likely benign (1). Last evaluated 2024-10-08.

Conditions:
Inborn genetic diseases. Identifiers: MedGen C0950123, MeSH D030342.

Allele frequency attached by ClinVar (database versions not stated): gnomAD exomes 0.00005; TOPMed 0.00007; gnomAD 0.00009; ExAC 0.00010; ESP Exome Variant Server 0.00023.
gnomAD v4.1: 82 of 1,613,522 alleles (0.0051%); highest among the groups gnomAD compares: South Asian, 0.026%; no homozygotes.

Submissions (2):

Labcorp Genetics (formerly Invitae), Labcorp
Classification: Uncertain significance. Last evaluated: 2024-10-08. Review status: criteria provided, single submitter. Criteria: Invitae Variant Classification Sherloc (09022015). Collection method: clinical testing. Allele origin: germline.
Comment: This sequence change replaces alanine, which is neutral and non-polar, with valine, which is neutral and non-polar, at codon 82 of the CANT1 protein (p.Ala82Val). This variant is present in population databases (rs142062082, gnomAD 0.03%). This variant has not been reported in the literature in individuals affected with CANT1-related conditions. ClinVar contains an entry for this variant (Variation ID: 2327971). Invitae Evidence Modeling of protein sequence and biophysical properties (such as structural, functional, and spatial information, amino acid conservation, physicochemical variation, residue mobility, and thermodynamic stability) indicates that this missense variant is not expected to disrupt CANT1 protein function with a negative predictive value of 95%. In summary, the available evidence is currently insufficient to determine the role of this variant in disease. Therefore, it has been classified as a Variant of Uncertain Significance.

Ambry Genetics
Classification: Likely benign for Inborn genetic diseases. Last evaluated: 2022-06-27. Review status: criteria provided, single submitter. Criteria: Ambry Variant Classification Scheme 2023. Collection method: clinical testing. Allele origin: germline.

NM_001159773.2(CANT1):c.245C>T (p.Ala82Val)

Gene: CANT1 (calcium activated nucleotidase 1; minus strand). Cytogenetic location: 17q25.3.
Variant type: single nucleotide variant.
Coding change: c.245C>T on transcript NM_001159773.2 (MANE Select); coding-DNA position 245, C replaced by T.
Protein change: p.Ala82Val; replaces alanine 82 with valine.
Molecular consequence: missense variant.
Genome position (GRCh38, 1-based): chr17:78,997,378, G>A on the plus strand (C>T on the coding strand, the complement: CANT1 is on the minus strand). VCF-style: chr17-78997378-G-A. GRCh37 (hg19) VCF-style: chr17-76993460-G-A.
Other names: c.245C>T, p.Ala82Val (NM_001159772.2, NM_138793.4); short protein forms A82V.
Identifiers: ClinVar variation 2327971 (VCV002327971.4), dbSNP rs142062082, ClinGen allele CA8808783.